The following is an entry in ClinVar:

ClinVar aggregate classification (germline): Uncertain significance. Review status: criteria provided, multiple submitters, no conflicts (2 of 4 stars). 2 submissions from 2 submitters: Uncertain significance (2). Last evaluated 2025-10-24.

gnomAD v4.1: 41 of 1,614,150 alleles (0.0025%); highest among the groups gnomAD compares: Middle Eastern, 0.033%; no homozygotes.

Submissions (2):

Ambry Genetics
Classification: Uncertain significance. Last evaluated: 2025-10-24. Review status: criteria provided, single submitter. Criteria: Ambry Variant Classification Scheme 2023. Collection method: clinical testing. Allele origin: germline.

Labcorp Genetics (formerly Invitae), Labcorp
Classification: Uncertain significance. Last evaluated: 2024-07-22. Review status: criteria provided, single submitter. Criteria: Invitae Variant Classification Sherloc (09022015). Collection method: clinical testing. Allele origin: germline.
Comment: This sequence change replaces arginine, which is basic and polar, with cysteine, which is neutral and slightly polar, at codon 369 of the SORL1 protein (p.Arg369Cys). This variant is present in population databases (rs548615007, gnomAD 0.01%). This variant has not been reported in the literature in individuals affected with SORL1-related conditions. An algorithm developed to predict the effect of missense changes on protein structure and function (PolyPhen-2) suggests that this variant is likely to be tolerated. In summary, the available evidence is currently insufficient to determine the role of this variant in disease. Therefore, it has been classified as a Variant of Uncertain Significance.

NM_003105.6(SORL1):c.1105C>T (p.Arg369Cys)

Gene: SORL1 (sortilin related receptor 1; plus strand). Cytogenetic location: 11q24.1.
Variant type: single nucleotide variant.
Coding change: c.1105C>T on transcript NM_003105.6 (MANE Select); coding-DNA position 1105, C replaced by T.
Protein change: p.Arg369Cys; replaces arginine 369 with cysteine.
Molecular consequence: missense variant.
Genome position (GRCh38, 1-based): chr11:121,514,215, C>T. VCF-style: chr11-121514215-C-T. GRCh37 (hg19) VCF-style: chr11-121384924-C-T.
Other names: c.1105C>T (NM_003105.5); short protein forms R369C.
Identifiers: ClinVar variation 3626670 (VCV003626670.3).